The following is an entry in ClinVar:

ClinVar aggregate classification (germline): Likely benign. Review status: criteria provided, multiple submitters, no conflicts (2 of 4 stars). 5 submissions from 4 submitters: Likely benign (5). Last evaluated 2024-10-23.

Conditions:
Developmental and epileptic encephalopathy, 14 (DEE14). Also called: Early infantile epileptic encephalopathy 14. Identifiers: Orphanet 293181, MedGen C3554195, MONDO:0013989, OMIM 614959.
Autosomal dominant nocturnal frontal lobe epilepsy 5. Also called: CILIARY DYSKINESIA, PRIMARY, 28, WITHOUT SITUS INVERSUS; CILIARY DYSKINESIA, PRIMARY, 28, WITH SITUS INVERSUS; Epilepsy, nocturnal frontal lobe, 5; KCNT1-Related Epilepsy. Identifiers: Orphanet 98784, MedGen C3554306, MONDO:0014002, OMIM 615005.

Allele frequency attached by ClinVar (database versions not stated): gnomAD 0.00001; TOPMed 0.00001; gnomAD exomes 0.00002; ExAC 0.00005.
gnomAD v4.1: 17 of 1,576,548 alleles (0.0011%); highest among the groups gnomAD compares: African/African-American, 0.0027%; no homozygotes.

Submissions (5):

Labcorp Genetics (formerly Invitae), Labcorp
Classification: Likely benign for Autosomal dominant nocturnal frontal lobe epilepsy 5; Developmental and epileptic encephalopathy, 14. Last evaluated: 2024-10-23. Review status: criteria provided, single submitter. Criteria: Invitae Variant Classification Sherloc (09022015). Collection method: clinical testing. Allele origin: germline.

CeGaT Center for Human Genetics Tuebingen
Classification: Likely benign. Last evaluated: 2022-10-01. Review status: criteria provided, single submitter. Criteria: CeGaT Center For Human Genetics Tuebingen Variant Classification Criteria Version 2. Collection method: clinical testing. Allele origin: germline. Affected: yes. Observed: 1 variant allele.
Comment: KCNT1: BP4, BP7

Genome-Nilou Lab
Classification: Likely benign for Developmental and epileptic encephalopathy, 14. Last evaluated: 2022-03-15. Review status: criteria provided, single submitter. Criteria: ACMG Guidelines, 2015. Collection method: clinical testing. Allele origin: germline. Affected: no.

Genome-Nilou Lab
Classification: Likely benign for Autosomal dominant nocturnal frontal lobe epilepsy 5. Last evaluated: 2022-03-15. Review status: criteria provided, single submitter. Criteria: ACMG Guidelines, 2015. Collection method: clinical testing. Allele origin: germline. Affected: no.

GeneDx
Classification: Likely benign. Last evaluated: 2018-03-21. Review status: criteria provided, single submitter. Criteria: GeneDx Variant Classification (06012015). Collection method: clinical testing. Allele origin: germline. Affected: yes.
Comment: This variant is considered likely benign or benign based on one or more of the following criteria: it is a conservative change, it occurs at a poorly conserved position in the protein, it is predicted to be benign by multiple in silico algorithms, and/or has population frequency not consistent with disease.

NM_020822.3(KCNT1):c.3360G>A (p.Ala1120=)

Gene: KCNT1 (potassium sodium-activated channel subfamily T member 1; plus strand). Cytogenetic location: 9q34.3.
Variant type: single nucleotide variant.
Coding change: c.3360G>A on transcript NM_020822.3 (MANE Select); coding-DNA position 3360, G replaced by A.
Protein change: p.Ala1120=; no amino-acid change (alanine 1120 retained).
Molecular consequence: synonymous variant.
Genome position (GRCh38, 1-based): chr9:135,786,379, G>A. VCF-style: chr9-135786379-G-A. GRCh37 (hg19) VCF-style: chr9-138678225-G-A.
Other names: c.3225G>A, p.Ala1075= (NM_001272003.2).
Identifiers: ClinVar variation 681078 (VCV000681078.34), dbSNP rs768977873, ClinGen allele CA5327791.